The following is an entry in ClinVar:

NM_000138.5(FBN1):c.6704del (p.Gly2235fs)

Gene: FBN1 (fibrillin 1; minus strand). Cytogenetic location: 15q21.1.
Variant type: Deletion.
Coding change: c.6704del on transcript NM_000138.5 (MANE Select); coding-DNA position 6704, one base deleted (G; older notation c.6704delG).
Protein change: p.Gly2235fs; shifts the reading frame from glycine 2235.
Molecular consequence: frameshift variant.
Genome position (GRCh38, 1-based): chr15:48,432,901, C deleted on the plus strand (G on the coding strand, the reverse complement: FBN1 is on the minus strand); the first of 3 consecutive C bases (chr15:48,432,901-48,432,903); deleting any one gives the same sequence. VCF-style (leftmost placement, unchanged base first): chr15-48432900-TC-T. GRCh37 (hg19) VCF-style: chr15-48725097-TC-T.
Other names: c.6704delG (NM_000138.4); short protein forms G2235fs.
Identifiers: ClinVar variation 36105 (VCV000036105.3), dbSNP rs193922226, ClinGen allele CA016675.

ClinVar aggregate classification (germline): Likely pathogenic (1 of 4 stars; one submission).

Conditions:
Marfan syndrome (MFS). Also called: FBN1-Related Marfan Syndrome; Marfan syndrome type 1; Marfan's syndrome; Marfan syndrome, classic; MARFAN SYNDROME, TYPE I. Identifiers: Orphanet 284963, Orphanet 558, MedGen C0024796, MONDO:0007947, OMIM 154700.

Submission:

Women's Health and Genetics/Laboratory Corporation of America, LabCorp
Classification: Likely pathogenic for Marfan Syndrome. Last evaluated: 2011-08-18. Review status: criteria provided, single submitter. Criteria: LabCorp Variant Classification Summary - May 2015. Collection method: curation, clinical testing. Allele origin: germline. Inheritance: autosomal unknown. Affected: yes.
ClinVar note: Converted during submission from likely pathogenic to Likely pathogenic.